The following is an entry in ClinVar:

ClinVar aggregate classification (germline): Uncertain significance (1 of 4 stars; one submission).

Conditions:
Short-rib thoracic dysplasia 6 with or without polydactyly (SRTD6). Also called: POLYDACTYLY WITH NEONATAL CHONDRODYSTROPHY, TYPE II; Majewski Syndrome; SHORT RIB-POLYDACTYLY SYNDROME, TYPE IIA; SHORT-RIB THORACIC DYSPLASIA 6 WITH POLYDACTYLY; SHORT-RIB THORACIC DYSPLASIA 6 WITHOUT POLYDACTYLY. Identifiers: MedGen C0024507, MONDO:0009894, OMIM 263520.

gnomAD v4.1: 1 of 1,613,666 alleles (0.000062%); highest among the groups gnomAD compares: South Asian, 0.0011%; no homozygotes.

Submission:

Labcorp Genetics (formerly Invitae), Labcorp
Classification: Uncertain significance for Short-rib thoracic dysplasia 6 with or without polydactyly. Last evaluated: 2024-06-05. Review status: criteria provided, single submitter. Criteria: Invitae Variant Classification Sherloc (09022015). Collection method: clinical testing. Allele origin: germline.
Comment: This sequence change replaces lysine, which is basic and polar, with methionine, which is neutral and non-polar, at codon 310 of the NEK1 protein (p.Lys310Met). This variant is present in population databases (no rsID available, gnomAD 0.003%). This variant has not been reported in the literature in individuals affected with NEK1-related conditions. Advanced modeling of protein sequence and biophysical properties (such as structural, functional, and spatial information, amino acid conservation, physicochemical variation, residue mobility, and thermodynamic stability) performed at Invitae indicates that this missense variant is not expected to disrupt NEK1 protein function with a negative predictive value of 95%. In summary, the available evidence is currently insufficient to determine the role of this variant in disease. Therefore, it has been classified as a Variant of Uncertain Significance.

NM_001199397.3(NEK1):c.929A>T (p.Lys310Met)

Gene: NEK1 (NIMA related kinase 1; minus strand). Cytogenetic location: 4q33.
Variant type: single nucleotide variant.
Coding change: c.929A>T on transcript NM_001199397.3 (MANE Select); coding-DNA position 929, A replaced by T.
Protein change: p.Lys310Met; replaces lysine 310 with methionine.
Molecular consequence: missense variant. On other transcripts: non-coding transcript variant (2).
Genome position (GRCh38, 1-based): chr4:169,577,019, T>A on the plus strand (A>T on the coding strand, the complement: NEK1 is on the minus strand). VCF-style: chr4-169577019-T-A. GRCh37 (hg19) VCF-style: chr4-170498170-T-A.
Other names: c.929A>T, p.Lys310Met (NM_001199398.3, NM_001199399.3, NM_001199400.3 and 7 more transcripts); short protein forms K310M.
Identifiers: ClinVar variation 3637042 (VCV003637042.2).